The following is an entry in ClinVar:

ClinVar aggregate classification (germline): Pathogenic. Review status: criteria provided, multiple submitters, no conflicts (2 of 4 stars). 5 submissions from 5 submitters: Pathogenic (4). 1 of the submissions does not count toward it. Last evaluated 2024-06-11.

Conditions:
Bardet-Biedl syndrome (BBS). Identifiers: Orphanet 110, MedGen C0752166, MONDO:0015229.
Bardet-Biedl syndrome 10 (BBS10). Identifiers: Orphanet 110, MedGen C1859568, MONDO:0014438, OMIM 615987.

Allele frequency attached by ClinVar (database versions not stated): gnomAD exomes below 0.00001.
gnomAD v4.1: 3 of 1,614,122 alleles (0.00019%); highest among the groups gnomAD compares: South Asian, 0.0011%; no homozygotes.

Submissions (5):

Natera, Inc.
Classification: Pathogenic for Bardet-Biedl syndrome type 10. Last evaluated: 2024-06-11. Review status: criteria provided, single submitter. Criteria: Natera Variant Classification Schema (03/2026). Collection method: clinical testing. Allele origin: germline.
Comment: The c.1143T>G variant in BBS10 is a nonsense variant predicted to introduce a stop codon at amino acid 381. This variant is expected to result in nonsense mediated decay, truncation, or a dysfunctional protein product. This variant is rare in the general population with a frequency below the threshold expected for the associated phenotype(s). This variant has been observed in one or more individuals affected with the associated recessive disease, as either homozygous or compound heterozygous with a second variant (PMID: 37431782). Given the available evidence, this variant is classified as Pathogenic.

Labcorp Genetics (formerly Invitae), Labcorp
Classification: Pathogenic for Bardet-Biedl syndrome. Last evaluated: 2023-08-31. Review status: criteria provided, single submitter. Criteria: Invitae Variant Classification Sherloc (09022015). Collection method: clinical testing. Allele origin: germline.
Comment: This sequence change creates a premature translational stop signal (p.Tyr381*) in the BBS10 gene. While this is not anticipated to result in nonsense mediated decay, it is expected to disrupt the last 343 amino acid(s) of the BBS10 protein. This variant is present in population databases (no rsID available, gnomAD 0.003%). This premature translational stop signal has been observed in individual(s) with BBS10-related conditions (PMID: 30614526). ClinVar contains an entry for this variant (Variation ID: 585177). This variant disrupts a region of the BBS10 protein in which other variant(s) (p.Val707*) have been determined to be pathogenic (PMID: 20472660, 22773737, 25982971, 27486776). This suggests that this is a clinically significant region of the protein, and that variants that disrupt it are likely to be disease-causing. For these reasons, this variant has been classified as Pathogenic.

Fulgent Genetics
Classification: Pathogenic for Bardet-Biedl syndrome 10. Last evaluated: 2021-10-18. Review status: criteria provided, single submitter. Criteria: ACMG Guidelines, 2015. Collection method: clinical testing. Allele origin: unknown.

SN ONGC Dept of Genetics and Molecular biology Vision Research Foundation
Classification: Pathogenic for Bardet-Biedl syndrome. Review status: criteria provided, single submitter. Criteria: ACMG Guidelines, 2015. Collection method: research. Allele origin: unknown. Affected: yes.
Comment: This variant was observed in compound heterozygosity with variant NC_000012.11:g.76741496dup

Laboratory of Medical Genetics (UMR_S 1112), INSERM/Strasbourg University
Classification: Pathogenic for Bardet-Biedl syndrome. Last evaluated: 2018-09-15. Review status: no assertion criteria provided. Collection method: provider interpretation. Allele origin: germline. Affected: yes. Study: French fetal BBS cohort. Not counted in ClinVar's aggregate classification.

Literature cited by the submitters: PubMed 37431782 (cited by Natera, Inc.); PubMed 30614526 (cited by Labcorp Genetics (formerly Invitae), Labcorp and Laboratory of Medical Genetics (UMR_S 1112), INSERM/Strasbourg University); PubMed 20472660 (cited by Labcorp Genetics (formerly Invitae), Labcorp); PubMed 22773737 (cited by Labcorp Genetics (formerly Invitae), Labcorp); PubMed 25982971 (cited by Labcorp Genetics (formerly Invitae), Labcorp); PubMed 27486776 (cited by Labcorp Genetics (formerly Invitae), Labcorp).

NM_024685.4(BBS10):c.1143T>G (p.Tyr381Ter)

Gene: BBS10 (Bardet-Biedl syndrome 10; minus strand). Cytogenetic location: 12q21.2.
Variant type: single nucleotide variant.
Coding change: c.1143T>G on transcript NM_024685.4 (MANE Select); coding-DNA position 1143, T replaced by G.
Protein change: p.Tyr381Ter; replaces tyrosine 381 with a stop codon.
Molecular consequence: nonsense.
Genome position (GRCh38, 1-based): chr12:76,346,842, A>C on the plus strand (T>G on the coding strand, the complement: BBS10 is on the minus strand). VCF-style: chr12-76346842-A-C. GRCh37 (hg19) VCF-style: chr12-76740622-A-C.
Other names: c.1143T>G, p.Tyr381Ter (LRG_1255t1); short protein forms Y381*.
Identifiers: ClinVar variation 585177 (VCV000585177.11), dbSNP rs1340165752, ClinGen allele CA385812597.